The following is an entry in ClinVar:

ClinVar aggregate classification (germline): Uncertain significance (1 of 4 stars; one submission).

Conditions:
Renal carnitine transport defect (CDSP). Also called: Carnitine transporter deficiency; Primary carnitine deficiency; Systemic primary carnitine deficiency; CARNITINE DEFICIENCY, SYSTEMIC, DUE TO DEFECT IN RENAL REABSORPTION OF CARNITINE; CARNITINE TRANSPORTER, PLASMA-MEMBRANE, DEFICIENCY OF; CARNITINE UPTAKE DEFECT. Identifiers: Orphanet 158, MedGen C0342788, MONDO:0008919, OMIM 212140.

Submission:

Labcorp Genetics (formerly Invitae), Labcorp
Classification: Uncertain significance for Renal carnitine transport defect. Last evaluated: 2022-01-27. Review status: criteria provided, single submitter. Criteria: Invitae Variant Classification Sherloc (09022015). Collection method: clinical testing. Allele origin: germline.
Comment: This sequence change falls in intron 5 of the SLC22A5 gene. It does not directly change the encoded amino acid sequence of the SLC22A5 protein. It affects a nucleotide within the consensus splice site. This variant is not present in population databases (gnomAD no frequency). This variant has not been reported in the literature in individuals affected with SLC22A5-related conditions. Variants that disrupt the consensus splice site are a relatively common cause of aberrant splicing (PMID: 17576681, 9536098). Algorithms developed to predict the effect of sequence changes on RNA splicing suggest that this variant may disrupt the consensus splice site. In summary, the available evidence is currently insufficient to determine the role of this variant in disease. Therefore, it has been classified as a Variant of Uncertain Significance.

Literature cited by the submitters: PubMed 17576681; PubMed 9536098.

NM_003060.4(SLC22A5):c.951+3A>C

Gene: SLC22A5 (solute carrier family 22 member 5; plus strand). Cytogenetic location: 5q31.1.
Variant type: single nucleotide variant.
Coding change: c.951+3A>C on transcript NM_003060.4 (MANE Select); 3 bases into the intron after coding-DNA position 951, A replaced by C.
Molecular consequence: intron variant.
Genome position (GRCh38, 1-based): chr5:132,387,154, A>C. VCF-style: chr5-132387154-A-C. GRCh37 (hg19) VCF-style: chr5-131722846-A-C.
Other names: c.1023+3A>C (NM_001308122.2).
Identifiers: ClinVar variation 1483819 (VCV001483819.3), dbSNP rs2126786209, ClinGen allele CA2573138875.